The following is an entry in ClinVar:

NM_005357.4(LIPE):c.2329C>T (p.Leu777Phe)

Genes: LIPE (lipase E, hormone sensitive type; minus strand), LIPE-AS1 (LIPE antisense RNA 1; plus strand), LOC101930071 (uncharacterized LOC101930071; plus strand). Cytogenetic location: 19q13.2.
Variant type: single nucleotide variant.
Coding change: c.2329C>T on transcript NM_005357.4 (MANE Select); coding-DNA position 2329, C replaced by T.
Protein change: p.Leu777Phe; replaces leucine 777 with phenylalanine.
Molecular consequence: missense variant. On other transcripts: intron variant (3).
Genome position (GRCh38, 1-based): chr19:42,406,197, G>A on the plus strand (C>T on the coding strand, the complement: LIPE is on the minus strand). VCF-style: chr19-42406197-G-A. GRCh37 (hg19) VCF-style: chr19-42910349-G-A.
Other names: c.1579C>T, p.Leu527Phe (NM_001416100.1); c.1564C>T, p.Leu522Phe (NM_001416101.1); c.1459C>T, p.Leu487Phe (NM_001416102.1); c.1426C>T, p.Leu476Phe (NM_001416103.1, NM_001416104.1); c.688C>T, p.Leu230Phe (NM_001416108.1); c.779-636C>T (NM_001416107.1); c.1373-636C>T (NM_001416105.1); c.1268-636C>T (NM_001416106.1); and 1 more; short protein forms L230F, L476F, L487F, L522F, L527F, L777F.
Identifiers: ClinVar variation 2634521 (VCV002634521.2), dbSNP rs763748408, ClinGen allele CA9476780.

ClinVar aggregate classification (germline): Uncertain significance. Review status: criteria provided, multiple submitters, no conflicts (2 of 4 stars). 2 submissions from 2 submitters: Uncertain significance (2). Last evaluated 2025-06-03.

Conditions:
Inborn genetic diseases. Identifiers: MedGen C0950123, MeSH D030342.
LIPE-related disorder. Also called: LIPE-related condition.

Allele frequency attached by ClinVar (database versions not stated): gnomAD 0.00002; TOPMed 0.00004.
gnomAD v4.1: 42 of 1,613,152 alleles (0.0026%); highest among the groups gnomAD compares: African/African-American, 0.012%; no homozygotes.

Submissions (2):

Ambry Genetics
Classification: Uncertain significance for Inborn genetic diseases. Last evaluated: 2025-06-03. Review status: criteria provided, single submitter. Criteria: Ambry Variant Classification Scheme 2023. Collection method: clinical testing. Allele origin: germline.

PreventionGenetics, part of Exact Sciences
Classification: Uncertain significance for LIPE-related condition. Last evaluated: 2022-10-26. Review status: criteria provided, single submitter. Criteria: ACMG Guidelines, 2015. Collection method: clinical testing. Allele origin: germline.
Comment: The LIPE c.2329C>T variant is predicted to result in the amino acid substitution p.Leu777Phe. To our knowledge, this variant has not been reported in the literature. This variant is reported in 0.011% of alleles in individuals of Latino descent in gnomAD. At this time, the clinical significance of this variant is uncertain due to the absence of conclusive functional and genetic evidence.